The following is an entry in ClinVar:

ClinVar aggregate classification (germline): Uncertain significance. Review status: criteria provided, multiple submitters, no conflicts (2 of 4 stars). 2 submissions from 2 submitters: Uncertain significance (2). Last evaluated 2024-03-01.

Conditions:
Inborn genetic diseases. Identifiers: MedGen C0950123, MeSH D030342.

Allele frequency attached by ClinVar (database versions not stated): gnomAD 0.00003.
gnomAD v4.1: 13 of 1,515,408 alleles (0.00086%); highest among the groups gnomAD compares: Non-Finnish European, 0.0011%; no homozygotes.

Submissions (2):

Labcorp Genetics (formerly Invitae), Labcorp
Classification: Uncertain significance. Last evaluated: 2024-03-01. Review status: criteria provided, single submitter. Criteria: Invitae Variant Classification Sherloc (09022015). Collection method: clinical testing. Allele origin: germline.
Comment: This sequence change replaces alanine, which is neutral and non-polar, with serine, which is neutral and polar, at codon 77 of the CPLANE1 protein (p.Ala77Ser). The frequency data for this variant in the population databases is considered unreliable, as metrics indicate poor data quality at this position in the gnomAD database. This variant has not been reported in the literature in individuals affected with CPLANE1-related conditions. Advanced modeling of protein sequence and biophysical properties (such as structural, functional, and spatial information, amino acid conservation, physicochemical variation, residue mobility, and thermodynamic stability) performed at Invitae indicates that this missense variant is not expected to disrupt CPLANE1 protein function with a negative predictive value of 95%. In summary, the available evidence is currently insufficient to determine the role of this variant in disease. Therefore, it has been classified as a Variant of Uncertain Significance.

Ambry Genetics
Classification: Uncertain significance for Inborn genetic diseases. Last evaluated: 2021-09-30. Review status: criteria provided, single submitter. Criteria: Ambry Variant Classification Scheme 2023. Collection method: clinical testing. Allele origin: germline.

NM_001384732.1(CPLANE1):c.229G>T (p.Ala77Ser)

Gene: CPLANE1 (ciliogenesis and planar polarity effector complex subunit 1; minus strand). Cytogenetic location: 5p13.2.
Variant type: single nucleotide variant.
Coding change: c.229G>T on transcript NM_001384732.1 (MANE Select); coding-DNA position 229, G replaced by T.
Protein change: p.Ala77Ser; replaces alanine 77 with serine.
Molecular consequence: missense variant.
Genome position (GRCh38, 1-based): chr5:37,245,587, C>A on the plus strand (G>T on the coding strand, the complement: CPLANE1 is on the minus strand). VCF-style: chr5-37245587-C-A. GRCh37 (hg19) VCF-style: chr5-37245689-C-A.
Other names: c.229G>T, p.Ala77Ser (NM_023073.4); short protein forms A77S.
Identifiers: ClinVar variation 3076679 (VCV003076679.3), dbSNP rs1441701659, ClinGen allele CA359523744.